The following is an entry in ClinVar:

ClinVar aggregate classification (germline): Uncertain significance (1 of 4 stars; one submission).

Submission:

GeneDx
Classification: Uncertain significance. Last evaluated: 2024-12-10. Review status: criteria provided, single submitter. Criteria: GeneDx Variant Classification Process June 2021. Collection method: clinical testing. Allele origin: germline. Affected: yes.
Comment: Not observed at significant frequency in large population cohorts (gnomAD); In silico analysis supports that this missense variant has a deleterious effect on protein structure/function; Has not been previously published as pathogenic or benign to our knowledge

NM_001142966.3(GREB1L):c.620C>G (p.Thr207Ser)

Genes: GREB1L (GREB1 like retinoic acid receptor coactivator; plus strand), GREB1L-AS1 (GREB1L antisense RNA 1; minus strand). Cytogenetic location: 18q11.1.
Variant type: single nucleotide variant.
Coding change: c.620C>G on transcript NM_001142966.3 (MANE Select); coding-DNA position 620, C replaced by G.
Protein change: p.Thr207Ser; replaces threonine 207 with serine.
Molecular consequence: missense variant.
Genome position (GRCh38, 1-based): chr18:21,401,237, C>G. VCF-style: chr18-21401237-C-G. GRCh37 (hg19) VCF-style: chr18-18981198-C-G.
Other names: c.620C>G, p.Thr207Ser (NM_001410867.1, NM_001410868.1); short protein forms T207S.
Identifiers: ClinVar variation 3902938 (VCV003902938.1).
Genomic context (GRCh38, chr18:21,401,237, plus strand): 5'-GAGAAAGAGGATTTCGATATTTCACGGAATTTTCCAACCACATTAACTTGAAGCTCACCA[C>G]TCAGCCAAAGAAGCAGAAGCACTTAAAGTACTACCTAGTCAGAAGCTCCCAGGGTGTACT-3'
Protein context (NP_001136438.1, residues 197-217): FSNHINLKLT[Thr207Ser]QPKKQKHLKY